The following is an entry in ClinVar:

NM_173628.4(DNAH17):c.6972G>A (p.Thr2324=)

Genes: DNAH17 (dynein axonemal heavy chain 17; minus strand), DNAH17-AS1 (DNAH17 antisense RNA 1; plus strand). Cytogenetic location: 17q25.3.
Variant type: single nucleotide variant.
Coding change: c.6972G>A on transcript NM_173628.4 (MANE Select); coding-DNA position 6972, G replaced by A.
Protein change: p.Thr2324=; no amino-acid change (threonine 2324 retained).
Molecular consequence: synonymous variant.
Genome position (GRCh38, 1-based): chr17:78,486,353, C>T on the plus strand (G>A on the coding strand, the complement: DNAH17 is on the minus strand). VCF-style: chr17-78486353-C-T. GRCh37 (hg19) VCF-style: chr17-76482435-C-T.
Identifiers: ClinVar variation 1266948 (VCV001266948.5), dbSNP rs61743860, ClinGen allele CA8802531.

ClinVar aggregate classification (germline): Benign. Review status: criteria provided, multiple submitters, no conflicts (2 of 4 stars). 3 submissions from 3 submitters: Benign (2). 1 of the submissions does not count toward it. Last evaluated 2021-05-04.

Conditions:
DNAH17-related disorder. Also called: DNAH17-related condition.

Allele frequency attached by ClinVar (database versions not stated): TOPMed 0.07211; ESP Exome Variant Server 0.07258; gnomAD 0.07807 and 0.07966; 1000 Genomes Project 30x 0.08151; 1000 Genomes Project 0.08247; gnomAD exomes 0.09125; ExAC 0.09272.
gnomAD v4.1: 152,134 of 1,613,760 alleles (9.4%); highest among the groups gnomAD compares: East Asian, 15%; 7,684 homozygotes.

Submissions (3):

GeneDx
Classification: Benign. Last evaluated: 2021-05-04. Review status: criteria provided, single submitter. Criteria: GeneDx Variant Classification Process June 2021. Collection method: clinical testing. Allele origin: germline. Affected: yes.

Breakthrough Genomics
Classification: Benign. Review status: criteria provided, single submitter. Criteria: ACMG Guidelines, 2015. Collection method: not provided. Allele origin: germline. Inheritance: Autosomal recessive inheritance. Affected: yes.

PreventionGenetics, part of Exact Sciences
Classification: Benign for DNAH17-related condition. Last evaluated: 2019-10-23. Review status: no assertion criteria provided. Collection method: clinical testing. Allele origin: germline. Not counted in ClinVar's aggregate classification.
Comment: This variant is classified as benign based on ACMG/AMP sequence variant interpretation guidelines (Richards et al. 2015 PMID: 25741868, with internal and published modifications).